The following is an entry in ClinVar:

ClinVar aggregate classification (germline): Uncertain significance. Review status: criteria provided, multiple submitters, no conflicts (2 of 4 stars). 2 submissions from 2 submitters: Uncertain significance (2). Last evaluated 2025-09-02.

Conditions:
Bifunctional peroxisomal enzyme deficiency (DBIF). Also called: PBFE DEFICIENCY; D-bifunctional protein deficiency; DBP DEFICIENCY. Identifiers: Orphanet 300, MedGen C0342870, MONDO:0009855, OMIM 261515. Disease mechanism: loss of function.
Perrault syndrome. Also called: Gonadal dysgenesis with auditory dysfunction, autosomal recessive inheritance. Identifiers: Orphanet 2855, MedGen C0685838, MONDO:0017312.
HSD17B4-related disorder. Also called: HSD17B4-related condition; HSD17B4-related disorders.

Allele frequency attached by ClinVar (database versions not stated): ExAC 0.00001; gnomAD 0.00001; gnomAD exomes 0.00001; TOPMed 0.00002; ESP Exome Variant Server 0.00008.

Submissions (2):

PreventionGenetics, part of Exact Sciences
Classification: Uncertain significance for HSD17B4-related condition. Last evaluated: 2025-09-02. Review status: criteria provided, single submitter. Criteria: ACMG Guidelines, 2015. Collection method: clinical testing. Allele origin: germline.
Comment: The HSD17B4 c.860G>A variant is predicted to result in the amino acid substitution p.Ser287Asn. To our knowledge, this variant has not been reported in the literature or in a large population database, indicating this variant is rare. At this time, the clinical significance of this variant is uncertain due to the absence of conclusive functional and genetic evidence.

Labcorp Genetics (formerly Invitae), Labcorp
Classification: Uncertain significance for Perrault syndrome; Bifunctional peroxisomal enzyme deficiency. Last evaluated: 2023-11-10. Review status: criteria provided, single submitter. Criteria: Invitae Variant Classification Sherloc (09022015). Collection method: clinical testing. Allele origin: germline.
Comment: This sequence change replaces serine, which is neutral and polar, with asparagine, which is neutral and polar, at codon 287 of the HSD17B4 protein (p.Ser287Asn). This variant is not present in population databases (gnomAD no frequency). This variant has not been reported in the literature in individuals affected with HSD17B4-related conditions. Advanced modeling of protein sequence and biophysical properties (such as structural, functional, and spatial information, amino acid conservation, physicochemical variation, residue mobility, and thermodynamic stability) performed at Invitae indicates that this missense variant is not expected to disrupt HSD17B4 protein function with a negative predictive value of 95%. In summary, the available evidence is currently insufficient to determine the role of this variant in disease. Therefore, it has been classified as a Variant of Uncertain Significance.

NM_000414.4(HSD17B4):c.860G>A (p.Ser287Asn)

Gene: HSD17B4 (hydroxysteroid 17-beta dehydrogenase 4; plus strand). Cytogenetic location: 5q23.1.
Variant type: single nucleotide variant.
Coding change: c.860G>A on transcript NM_000414.4 (MANE Select); coding-DNA position 860, G replaced by A.
Protein change: p.Ser287Asn; replaces serine 287 with asparagine.
Molecular consequence: missense variant. On other transcripts: non-coding transcript variant (2).
Genome position (GRCh38, 1-based): chr5:119,493,938, G>A. VCF-style: chr5-119493938-G-A. GRCh37 (hg19) VCF-style: chr5-118829633-G-A.
Other names: c.935G>A, p.Ser312Asn (NM_001199291.3); c.806G>A, p.Ser269Asn (NM_001199292.2); c.788G>A, p.Ser263Asn (NM_001292027.2); c.440G>A, p.Ser147Asn (NM_001292028.2); c.851G>A, p.Ser284Asn (NM_001374497.1); c.860G>A, p.Ser287Asn (NM_001374498.1); c.533G>A, p.Ser178Asn (NM_001374499.1); c.419G>A, p.Ser140Asn (NM_001374500.1); and 2 more; short protein forms S263N, S312N, S140N, S147N, S150N, S284N, S287N, S178N.
Identifiers: ClinVar variation 2929589 (VCV002929589.4), dbSNP rs376651301, ClinGen allele CA3381997.